The following is an entry in ClinVar:

NM_001371928.1(AHDC1):c.3572G>A (p.Ser1191Asn)

Gene: AHDC1 (AT-hook DNA binding motif containing 1; minus strand). Cytogenetic location: 1p36.11.
Variant type: single nucleotide variant.
Coding change: c.3572G>A on transcript NM_001371928.1 (MANE Select); coding-DNA position 3572, G replaced by A.
Protein change: p.Ser1191Asn; replaces serine 1191 with asparagine.
Molecular consequence: missense variant.
Genome position (GRCh38, 1-based): chr1:27,548,544, C>T on the plus strand (G>A on the coding strand, the complement: AHDC1 is on the minus strand). VCF-style: chr1-27548544-C-T. GRCh37 (hg19) VCF-style: chr1-27875055-C-T.
Other names: c.3572G>A, p.Ser1191Asn (NM_001029882.3); c.3572G>A (NM_001029882.2); short protein forms S1191N.
Identifiers: ClinVar variation 711051 (VCV000711051.48), dbSNP rs146401682, ClinGen allele CA715537.

ClinVar aggregate classification (germline): Benign/Likely benign. Review status: criteria provided, multiple submitters, no conflicts (2 of 4 stars). 6 submissions from 6 submitters: Benign (3); Likely benign (2). 1 of the submissions does not count toward it. Last evaluated 2026-01-13.

Conditions:
AHDC1-related intellectual disability - obstructive sleep apnea - mild dysmorphism syndrome. Also called: Xia-Gibbs syndrome. Identifiers: Orphanet 412069, MedGen C4014419, MONDO:0014358, OMIM 615829.
Inborn genetic diseases. Identifiers: MedGen C0950123, MeSH D030342.
AHDC1-related disorder. Also called: AHDC1-related condition.

Allele frequency attached by ClinVar (database versions not stated): TOPMed 0.00044; gnomAD 0.00047 and 0.00052; gnomAD exomes 0.00047 and 0.00075; ExAC 0.00057; ESP Exome Variant Server 0.00077.
gnomAD v4.1: 1,156 of 1,613,518 alleles (0.072%); highest among the groups gnomAD compares: Non-Finnish European, 0.091%; 1 homozygote.

Submissions (6):

Labcorp Genetics (formerly Invitae), Labcorp
Classification: Benign. Last evaluated: 2026-01-13. Review status: criteria provided, single submitter. Criteria: Invitae Variant Classification Sherloc (09022015). Collection method: clinical testing. Allele origin: germline.

CeGaT Center for Human Genetics Tuebingen
Classification: Likely benign. Last evaluated: 2025-11-01. Review status: criteria provided, single submitter. Criteria: CeGaT Center For Human Genetics Tuebingen Variant Classification Criteria Version 2. Collection method: clinical testing. Allele origin: germline. Affected: yes. Observed: 7 variant alleles.
Comment: AHDC1: BS1

Ambry Genetics
Classification: Likely benign for Inborn genetic diseases. Last evaluated: 2022-08-08. Review status: criteria provided, single submitter. Criteria: Ambry Variant Classification Scheme 2023. Collection method: clinical testing. Allele origin: germline.

Genome-Nilou Lab
Classification: Benign for AHDC1-related intellectual disability - obstructive sleep apnea - mild dysmorphism syndrome. Last evaluated: 2021-12-05. Review status: criteria provided, single submitter. Criteria: ACMG Guidelines, 2015. Collection method: clinical testing. Allele origin: germline. Affected: no.

GeneDx
Classification: Benign. Last evaluated: 2021-01-20. Review status: criteria provided, single submitter. Criteria: GeneDx Variant Classification Process June 2021. Collection method: clinical testing. Allele origin: germline. Affected: yes.

PreventionGenetics, part of Exact Sciences
Classification: Likely benign for AHDC1-related condition. Last evaluated: 2020-08-25. Review status: no assertion criteria provided. Collection method: clinical testing. Allele origin: germline. Not counted in ClinVar's aggregate classification.
Comment: This variant is classified as likely benign based on ACMG/AMP sequence variant interpretation guidelines (Richards et al. 2015 PMID: 25741868, with internal and published modifications).